The following is an entry in ClinVar:

ClinVar aggregate classification (germline): Uncertain significance (1 of 4 stars; one submission).

Conditions:
Hereditary hemorrhagic telangiectasia (HHT). Also called: ORW DISEASE; Osler Weber Rendu syndrome; OSLER-RENDU-WEBER DISEASE; Osler hemorrhagic telangiectasia syndrome. Identifiers: Orphanet 774, MedGen C0039445, MONDO:0019180. Disease mechanism: loss of function.

Allele frequency attached by ClinVar (database versions not stated): ExAC 0.00001; TOPMed 0.00001.

Submission:

Labcorp Genetics (formerly Invitae), Labcorp
Classification: Uncertain significance for Hereditary hemorrhagic telangiectasia. Last evaluated: 2022-06-20. Review status: criteria provided, single submitter. Criteria: Invitae Variant Classification Sherloc (09022015). Collection method: clinical testing. Allele origin: germline.
Comment: In summary, the available evidence is currently insufficient to determine the role of this variant in disease. Therefore, it has been classified as a Variant of Uncertain Significance. Algorithms developed to predict the effect of missense changes on protein structure and function are either unavailable or do not agree on the potential impact of this missense change (SIFT: "Deleterious"; PolyPhen-2: "Probably Damaging"; Align-GVGD: "Class C0"). This missense change has been observed in individual(s) with clinical features of ENG-related conditions (PMID: 27260700). This variant is not present in population databases (gnomAD no frequency). This sequence change replaces valine, which is neutral and non-polar, with methionine, which is neutral and non-polar, at codon 259 of the ENG protein (p.Val259Met).

Literature cited by the submitters: PubMed 27260700.

NM_001114753.3(ENG):c.775G>A (p.Val259Met)

Gene: ENG (endoglin; minus strand). Cytogenetic location: 9q34.11.
Variant type: single nucleotide variant.
Coding change: c.775G>A on transcript NM_001114753.3 (MANE Select); coding-DNA position 775, G replaced by A.
Protein change: p.Val259Met; replaces valine 259 with methionine.
Molecular consequence: missense variant.
Genome position (GRCh38, 1-based): chr9:127,825,272, C>T on the plus strand (G>A on the coding strand, the complement: ENG is on the minus strand). VCF-style: chr9-127825272-C-T. GRCh37 (hg19) VCF-style: chr9-130587551-C-T.
Other names: c.775G>A, p.Val259Met (NM_000118.4, NM_001406715.1); c.229G>A, p.Val77Met (NM_001278138.2); short protein forms V259M, V77M.
Identifiers: ClinVar variation 1992139 (VCV001992139.4), dbSNP rs757090839, ClinGen allele CA5252984.